The following is an entry in ClinVar:

NM_000214.3(JAG1):c.3002C>T (p.Ala1001Val)

Gene: JAG1 (jagged canonical Notch ligand 1; minus strand). Cytogenetic location: 20p12.2.
Variant type: single nucleotide variant.
Coding change: c.3002C>T on transcript NM_000214.3 (MANE Select); coding-DNA position 3002, C replaced by T.
Protein change: p.Ala1001Val; replaces alanine 1001 with valine.
Molecular consequence: missense variant.
Genome position (GRCh38, 1-based): chr20:10,641,159, G>A on the plus strand (C>T on the coding strand, the complement: JAG1 is on the minus strand). VCF-style: chr20-10641159-G-A. GRCh37 (hg19) VCF-style: chr20-10621807-G-A.
Other names: short protein forms A1001V.
Identifiers: ClinVar variation 1385470 (VCV001385470.6), dbSNP rs2122595760, ClinGen allele CA408244483.
Genomic context (GRCh38, chr20:10,641,159, plus strand): 5'-GGTCTTATACTTACAATGGCCACATGTATTTCATTGTTCGCTGAAGGGGAAGGCTCGCAA[G>A]CGATGTAGATTGAATATTCAGCGGAAACATTCTTCAAAATATTCAAATTCCTCAATTCAC-3'
Protein context (NP_000205.1, residues 991-1011): NVSAEYSIYI[Ala1001Val]CEPSPSANNE

ClinVar aggregate classification (germline): Uncertain significance (1 of 4 stars; one submission).

Conditions:
Alagille syndrome due to a JAG1 point mutation. Also called: JAG1-Related Alagille Syndrome; HEPATIC DUCTULAR HYPOPLASIA, SYNDROMATIC; Alagille Syndrome 1. Identifiers: Orphanet 261619, Orphanet 52, MedGen C1956125, MONDO:0016862, OMIM 118450.

Submission:

Labcorp Genetics (formerly Invitae), Labcorp
Classification: Uncertain significance for Alagille syndrome due to a JAG1 point mutation. Last evaluated: 2023-12-22. Review status: criteria provided, single submitter. Criteria: Invitae Variant Classification Sherloc (09022015). Collection method: clinical testing. Allele origin: germline.
Comment: This sequence change replaces alanine, which is neutral and non-polar, with valine, which is neutral and non-polar, at codon 1001 of the JAG1 protein (p.Ala1001Val). This variant is not present in population databases (gnomAD no frequency). This variant has not been reported in the literature in individuals affected with JAG1-related conditions. ClinVar contains an entry for this variant (Variation ID: 1385470). Advanced modeling of protein sequence and biophysical properties (such as structural, functional, and spatial information, amino acid conservation, physicochemical variation, residue mobility, and thermodynamic stability) performed at Invitae indicates that this missense variant is not expected to disrupt JAG1 protein function with a negative predictive value of 95%. In summary, the available evidence is currently insufficient to determine the role of this variant in disease. Therefore, it has been classified as a Variant of Uncertain Significance.